The following is an entry in ClinVar:

NM_002834.5(PTPN11):c.1362G>A (p.Pro454=)

Gene: PTPN11 (protein tyrosine phosphatase non-receptor type 11; plus strand). Cytogenetic location: 12q24.13.
Variant type: single nucleotide variant.
Coding change: c.1362G>A on transcript NM_002834.5 (MANE Select); coding-DNA position 1362, G replaced by A.
Protein change: p.Pro454=; no amino-acid change (proline 454 retained).
Molecular consequence: synonymous variant.
Genome position (GRCh38, 1-based): chr12:112,486,612, G>A. VCF-style: chr12-112486612-G-A. GRCh37 (hg19) VCF-style: chr12-112924416-G-A.
Other names: c.1374G>A, p.Pro458= (NM_001330437.2); c.1359G>A, p.Pro453= (NM_001374625.1); c.1362G>A, p.Pro454= (NM_080601.3).
Identifiers: ClinVar variation 1229894 (VCV001229894.24), dbSNP rs771967829, ClinGen allele CA6798767.

ClinVar aggregate classification (germline): Likely benign. Review status: criteria provided, multiple submitters, no conflicts (2 of 4 stars). 5 submissions from 5 submitters: Likely benign (5). Last evaluated 2026-01-13.

Conditions:
Cardiovascular phenotype. Identifiers: MedGen CN230736.
RASopathy. Also called: rasopathies; Noonan spectrum disorder. Identifiers: Orphanet 536391, MedGen C5555857, MONDO:0021060.

Allele frequency attached by ClinVar (database versions not stated): gnomAD exomes 0.00003 and 0.00005; ExAC 0.00005; TOPMed 0.00005; gnomAD 0.00006 and 0.00008.
gnomAD v4.1: 84 of 1,612,756 alleles (0.0052%); highest among the groups gnomAD compares: African/African-American, 0.012%; no homozygotes.

Submissions (5):

Labcorp Genetics (formerly Invitae), Labcorp
Classification: Likely benign for RASopathy. Last evaluated: 2026-01-13. Review status: criteria provided, single submitter. Criteria: Invitae Variant Classification Sherloc (09022015). Collection method: clinical testing. Allele origin: germline.

CeGaT Center for Human Genetics Tuebingen
Classification: Likely benign. Last evaluated: 2025-05-01. Review status: criteria provided, single submitter. Criteria: CeGaT Center For Human Genetics Tuebingen Variant Classification Criteria Version 2. Collection method: clinical testing. Allele origin: germline. Affected: yes. Observed: 1 variant allele.
Comment: PTPN11: BP4, BP7

Blueprint Genetics
Classification: Likely benign. Last evaluated: 2022-09-29. Review status: criteria provided, single submitter. Criteria: ACMG Guidelines, 2015. Collection method: clinical testing. Allele origin: germline.

GeneDx
Classification: Likely benign. Last evaluated: 2020-10-22. Review status: criteria provided, single submitter. Criteria: GeneDx Variant Classification Process June 2021. Collection method: clinical testing. Allele origin: germline. Affected: yes.

Ambry Genetics
Classification: Likely benign for Cardiovascular phenotype. Last evaluated: 2019-06-18. Review status: criteria provided, single submitter. Criteria: Ambry Variant Classification Scheme 2023. Collection method: clinical testing. Allele origin: germline.